The following is an entry in ClinVar:

ClinVar aggregate classification (germline): Uncertain significance. Review status: criteria provided, multiple submitters, no conflicts (2 of 4 stars). 2 submissions from 2 submitters: Uncertain significance (2). Last evaluated 2026-03-17.

Allele frequency attached by ClinVar (database versions not stated): gnomAD exomes below 0.00001; TOPMed 0.00001.
gnomAD v4.1: 1 of 1,613,230 alleles (0.000062%); highest among the groups gnomAD compares: African/African-American, 0.0013%; no homozygotes.

Submissions (2):

GeneDx
Classification: Uncertain significance. Last evaluated: 2026-03-17. Review status: criteria provided, single submitter. Criteria: GeneDx Variant Classification Process June 2021. Collection method: clinical testing. Allele origin: germline.
Comment: Not observed at significant frequency in large population cohorts (gnomAD); In silico analysis suggests that this missense variant does not alter protein structure/function; Has not been previously published as pathogenic or benign to our knowledge

Revvity Omics, Revvity
Classification: Uncertain significance. Last evaluated: 2021-08-04. Review status: criteria provided, single submitter. Criteria: ACMG Guidelines, 2015. Collection method: clinical testing. Allele origin: germline.

NM_001256012.3(MYH10):c.784G>A (p.Val262Ile)

Gene: MYH10 (myosin heavy chain 10; minus strand). Cytogenetic location: 17p13.1.
Variant type: single nucleotide variant.
Coding change: c.784G>A on transcript NM_001256012.3 (MANE Select); coding-DNA position 784, G replaced by A.
Protein change: p.Val262Ile; replaces valine 262 with isoleucine.
Molecular consequence: missense variant.
Genome position (GRCh38, 1-based): chr17:8,553,991, C>T on the plus strand (G>A on the coding strand, the complement: MYH10 is on the minus strand). VCF-style: chr17-8553991-C-T. GRCh37 (hg19) VCF-style: chr17-8457309-C-T.
Other names: c.781G>A, p.Val261Ile (NM_001256095.2); c.784G>A, p.Val262Ile (NM_001375266.1); c.754G>A, p.Val252Ile (NM_005964.5); c.784G>A (NM_001256012.1); short protein forms V252I, V261I, V262I.
Identifiers: ClinVar variation 2689487 (VCV002689487.3), dbSNP rs2082715886, ClinGen allele CA398227319.